The following is an entry in ClinVar:

NM_000298.6(PKLR):c.1130T>C (p.Met377Thr)

Gene: PKLR (pyruvate kinase L/R; minus strand). Cytogenetic location: 1q22.
Variant type: single nucleotide variant.
Coding change: c.1130T>C on transcript NM_000298.6 (MANE Select); coding-DNA position 1130, T replaced by C.
Protein change: p.Met377Thr; replaces methionine 377 with threonine.
Molecular consequence: missense variant.
Genome position (GRCh38, 1-based): chr1:155,293,577, A>G on the plus strand (T>C on the coding strand, the complement: PKLR is on the minus strand). VCF-style: chr1-155293577-A-G. GRCh37 (hg19) VCF-style: chr1-155263368-A-G.
Other names: c.1037T>C, p.Met346Thr (NM_181871.4); short protein forms M346T, M377T.
Identifiers: ClinVar variation 2858457 (VCV002858457.5), dbSNP rs2525282610, ClinGen allele CA342753019.

ClinVar aggregate classification (germline): Conflicting classifications of pathogenicity. Review status: criteria provided, conflicting classifications (1 of 4 stars). 3 submissions from 3 submitters: Likely pathogenic (1); Uncertain significance (2). Last evaluated 2024-09-20.

Allele frequency attached by ClinVar (database versions not stated): gnomAD exomes below 0.00001.
gnomAD v4.1: 1 of 1,614,106 alleles (0.000062%); highest among the groups gnomAD compares: Non-Finnish European, 0.000085%; no homozygotes.

Submissions (3):

ARUP Laboratories, Molecular Genetics and Genomics, ARUP Laboratories
Classification: Uncertain significance. Last evaluated: 2024-09-20. Review status: criteria provided, single submitter. Criteria: ARUP Molecular Germline Variant Investigation Process 2024. Collection method: clinical testing. Allele origin: germline.
Comment: The PKLR c.1130T>C; p.Met377Thr variant, to our knowledge, is not reported in the medical literature but is reported in ClinVar (Variation ID: 2858457). This variant is also absent from the Genome Aggregation Database (v2.1.1), indicating it is not a common polymorphism. Additionally, another amino acid substitution at this codon (c.1129A>T; p.Met377Leu) has been reported in an individual with pyruvate kinase deficiency (Dongerdiye 2023). Computational analyses predict that this variant is deleterious (REVEL: 0.953). Due to limited information, the clinical significance of this variant is uncertain at this time. Reference: Dongerdiye R et al. Targeted next-generation sequencing identifies eighteen novel mutations expanding the molecular and clinical spectrum of PKLR gene disorders in the Indian population. Ann Hematol. 2023 May. PMID: 36892591.

Labcorp Genetics (formerly Invitae), Labcorp
Classification: Uncertain significance. Last evaluated: 2023-09-17. Review status: criteria provided, single submitter. Criteria: Invitae Variant Classification Sherloc (09022015). Collection method: clinical testing. Allele origin: germline.
Comment: In summary, the available evidence is currently insufficient to determine the role of this variant in disease. Therefore, it has been classified as a Variant of Uncertain Significance. Advanced modeling of protein sequence and biophysical properties (such as structural, functional, and spatial information, amino acid conservation, physicochemical variation, residue mobility, and thermodynamic stability) performed at Invitae indicates that this missense variant is expected to disrupt PKLR protein function. This variant has not been reported in the literature in individuals affected with PKLR-related conditions. This variant is not present in population databases (gnomAD no frequency). This sequence change replaces methionine, which is neutral and non-polar, with threonine, which is neutral and polar, at codon 377 of the PKLR protein (p.Met377Thr).

Clinical Genetics Laboratory, Skane University Hospital Lund
Classification: Likely pathogenic. Last evaluated: 2022-07-05. Review status: criteria provided, single submitter. Criteria: ACMG Guidelines, 2015. Collection method: clinical testing. Allele origin: germline. Affected: yes.